The following is an entry in ClinVar:

ClinVar aggregate classification (germline): Conflicting classifications of pathogenicity. Review status: criteria provided, conflicting classifications (1 of 4 stars). 2 submissions from 2 submitters: Uncertain significance (1); Likely benign (1). Last evaluated 2025-01-19.

Conditions:
SLC4A11-related disorder. Also called: SLC4A11-related condition.
Inborn genetic diseases. Identifiers: MedGen C0950123, MeSH D030342.

Allele frequency attached by ClinVar (database versions not stated): gnomAD 0.00002; TOPMed 0.00003; gnomAD exomes 0.00006; ESP Exome Variant Server 0.00008; ExAC 0.00001.
gnomAD v4.1: 95 of 1,613,394 alleles (0.0059%); highest among the groups gnomAD compares: Middle Eastern, 0.2%; 1 homozygote.

Submissions (2):

PreventionGenetics, part of Exact Sciences
Classification: Uncertain significance for SLC4A11-related condition. Last evaluated: 2025-01-19. Review status: criteria provided, single submitter. Criteria: ACMG Guidelines, 2015. Collection method: clinical testing. Allele origin: germline.
Comment: The SLC4A11 c.1529C>T variant is predicted to result in the amino acid substitution p.Thr510Met. To our knowledge, this variant has not been reported in the literature. This variant is reported in 0.0035% of alleles in individuals of European (Non-Finnish) descent in gnomAD. At this time, the clinical significance of this variant is uncertain due to the absence of conclusive functional and genetic evidence.

Ambry Genetics
Classification: Likely benign for Inborn genetic diseases. Last evaluated: 2023-04-26. Review status: criteria provided, single submitter. Criteria: Ambry Variant Classification Scheme 2023. Collection method: clinical testing. Allele origin: germline.

NM_001174089.2(SLC4A11):c.1481C>T (p.Thr494Met)

Gene: SLC4A11 (solute carrier family 4 member 11; minus strand). Cytogenetic location: 20p13.
Variant type: single nucleotide variant.
Coding change: c.1481C>T on transcript NM_001174089.2 (MANE Select); coding-DNA position 1481, C replaced by T.
Protein change: p.Thr494Met; replaces threonine 494 with methionine.
Molecular consequence: missense variant. On other transcripts: non-coding transcript variant (3).
Genome position (GRCh38, 1-based): chr20:3,230,195, G>A on the plus strand (C>T on the coding strand, the complement: SLC4A11 is on the minus strand). VCF-style: chr20-3230195-G-A. GRCh37 (hg19) VCF-style: chr20-3210841-G-A.
Other names: c.1610C>T, p.Thr537Met (NM_001174090.2); c.1367C>T, p.Thr456Met (NM_001363745.2); c.1424C>T, p.Thr475Met (NM_001400277.1, NM_001400278.1, NM_001400279.1); c.1496C>T, p.Thr499Met (NM_001400280.1); c.1529C>T, p.Thr510Met (NM_032034.4); short protein forms T475M, T510M, T456M, T499M, T494M, T537M.
Identifiers: ClinVar variation 2533226 (VCV002533226.3), dbSNP rs369474430, ClinGen allele CA9741835.
Genomic context (GRCh38, chr20:3,230,195, plus strand): 5'-TCCCATCTCGGCTGAGCGCCCTGTTCAGCAGGTGGCCCCCAGCCGCACTCACTTTTAACC[G>A]TGCCCTTGACGGCATCCAGCACAAACGTGATGGAAATGAAGAGGGCGATGATCTCCTCCG-3'
Protein context (NP_001167560.1, residues 484-504): ITFVLDAVKG[Thr494Met]VKIFWKYYYG